The following is an entry in ClinVar:

NM_006904.7(PRKDC):c.2582C>T (p.Ser861Phe)

Gene: PRKDC (protein kinase, DNA-activated, catalytic subunit; minus strand). Cytogenetic location: 8q11.21.
Variant type: single nucleotide variant.
Coding change: c.2582C>T on transcript NM_006904.7 (MANE Select); coding-DNA position 2582, C replaced by T.
Protein change: p.Ser861Phe; replaces serine 861 with phenylalanine.
Molecular consequence: missense variant.
Genome position (GRCh38, 1-based): chr8:47,915,363, G>A on the plus strand (C>T on the coding strand, the complement: PRKDC is on the minus strand). VCF-style: chr8-47915363-G-A. GRCh37 (hg19) VCF-style: chr8-48827923-G-A.
Other names: c.2582C>T, p.Ser861Phe (NM_001081640.2); short protein forms S861F.
Identifiers: ClinVar variation 2497415 (VCV002497415.2), dbSNP rs2551877067, ClinGen allele CA371159853.

ClinVar aggregate classification (germline): Uncertain significance (1 of 4 stars; one submission).

Submission:

Ambry Genetics
Classification: Uncertain significance. Last evaluated: 2022-11-25. Review status: criteria provided, single submitter. Criteria: Ambry Variant Classification Scheme 2023. Collection method: clinical testing. Allele origin: germline.
Comment: The p.S861F variant (also known as c.2582C>T), located in coding exon 23 of the PRKDC gene, results from a C to T substitution at nucleotide position 2582. The serine at codon 861 is replaced by phenylalanine, an amino acid with highly dissimilar properties. This amino acid position is conserved. In addition, this alteration is predicted to be tolerated by in silico analysis. Since supporting evidence is limited at this time, the clinical significance of this alteration remains unclear.